The following is an entry in ClinVar:

NM_018972.4(GDAP1):c.569A>G (p.Lys190Arg)

Gene: GDAP1 (ganglioside induced differentiation associated protein 1; plus strand). Cytogenetic location: 8q21.11.
Variant type: single nucleotide variant.
Coding change: c.569A>G on transcript NM_018972.4 (MANE Select); coding-DNA position 569, A replaced by G.
Protein change: p.Lys190Arg; replaces lysine 190 with arginine.
Molecular consequence: missense variant.
Genome position (GRCh38, 1-based): chr8:74,361,968, A>G. VCF-style: chr8-74361968-A-G. GRCh37 (hg19) VCF-style: chr8-75274203-A-G.
Other names: c.365A>G, p.Lys122Arg (NM_001040875.4); c.242A>G, p.Lys81Arg (NM_001362929.2, NM_001362932.2); c.395A>G, p.Lys132Arg (NM_001362930.2); c.569A>G, p.Lys190Arg (NM_001362931.2); short protein forms K122R, K132R, K190R, K81R.
Identifiers: ClinVar variation 2658655 (VCV002658655.26), dbSNP rs965041280, ClinGen allele CA179735214.

ClinVar aggregate classification (germline): Uncertain significance. Review status: criteria provided, multiple submitters, no conflicts (2 of 4 stars). 3 submissions from 3 submitters: Uncertain significance (3). Last evaluated 2024-03-18.

Conditions:
Inborn genetic diseases. Identifiers: MedGen C0950123, MeSH D030342.

Allele frequency attached by ClinVar (database versions not stated): TOPMed below 0.00001.

Submissions (3):

Ambry Genetics
Classification: Uncertain significance for Inborn genetic diseases. Last evaluated: 2024-03-18. Review status: criteria provided, single submitter. Criteria: Ambry Variant Classification Scheme 2023. Collection method: clinical testing. Allele origin: germline.

ARUP Laboratories, Molecular Genetics and Genomics, ARUP Laboratories
Classification: Uncertain significance. Last evaluated: 2023-12-28. Review status: criteria provided, single submitter. Criteria: ARUP Molecular Germline Variant Investigation Process 2024. Collection method: clinical testing. Allele origin: germline.
Comment: The GDAP1 c.569A>G; p.Lys190Arg variant (rs965041280), to our knowledge, is not reported in the medical literature but is reported in ClinVar (Variation ID: 2658655). This variant is absent from the Genome Aggregation Database (v2.1.1), indicating it is not a common polymorphism. Computational analyses are uncertain whether this variant is neutral or deleterious (REVEL: 0.415). Due to limited information, the clinical significance of this variant is uncertain at this time.

CeGaT Center for Human Genetics Tuebingen
Classification: Uncertain significance. Last evaluated: 2023-02-01. Review status: criteria provided, single submitter. Criteria: CeGaT Center For Human Genetics Tuebingen Variant Classification Criteria Version 2. Collection method: clinical testing. Allele origin: germline. Affected: yes. Observed: 1 variant allele.
Comment: GDAP1: PM2, PP3